The following is an entry in ClinVar:

ClinVar aggregate classification (germline): Uncertain significance (1 of 4 stars; one submission).

Conditions:
Hypertrophic cardiomyopathy. Also called: HYPERTROPHIC MYOCARDIOPATHY. Identifiers: Orphanet 217569, MedGen C0007194, MeSH D002312, MONDO:0005045, HP:0001639.

Allele frequency attached by ClinVar (database versions not stated): gnomAD exomes below 0.00001.
gnomAD v4.1: 1 of 1,614,054 alleles (0.000062%); highest among the groups gnomAD compares: East Asian, 0.0022%; no homozygotes.

Submission:

Labcorp Genetics (formerly Invitae), Labcorp
Classification: Uncertain significance for Hypertrophic cardiomyopathy. Last evaluated: 2025-09-21. Review status: criteria provided, single submitter. Criteria: Invitae Variant Classification Sherloc (09022015). Collection method: clinical testing. Allele origin: germline.
Comment: This sequence change replaces tyrosine, which is neutral and polar, with cysteine, which is neutral and slightly polar, at codon 65 of the MYH7 protein (p.Tyr65Cys). This variant is not present in population databases (gnomAD no frequency). This variant has not been reported in the literature in individuals affected with MYH7-related conditions. ClinVar contains an entry for this variant (Variation ID: 2088932). Invitae Evidence Modeling of protein sequence and biophysical properties (such as structural, functional, and spatial information, amino acid conservation, physicochemical variation, residue mobility, and thermodynamic stability) indicates that this missense variant is not expected to disrupt MYH7 protein function with a negative predictive value of 95%. In summary, the available evidence is currently insufficient to determine the role of this variant in disease. Therefore, it has been classified as a Variant of Uncertain Significance.

NM_000257.4(MYH7):c.194A>G (p.Tyr65Cys)

Gene: MYH7 (myosin heavy chain 7; minus strand). Cytogenetic location: 14q11.2.
Variant type: single nucleotide variant.
Coding change: c.194A>G on transcript NM_000257.4 (MANE Select); coding-DNA position 194, A replaced by G.
Protein change: p.Tyr65Cys; replaces tyrosine 65 with cysteine.
Molecular consequence: missense variant.
Genome position (GRCh38, 1-based): chr14:23,433,539, T>C on the plus strand (A>G on the coding strand, the complement: MYH7 is on the minus strand). VCF-style: chr14-23433539-T-C. GRCh37 (hg19) VCF-style: chr14-23902748-T-C.
Other names: c.194A>G, p.Tyr65Cys (NM_001407004.1); short protein forms Y65C.
Identifiers: ClinVar variation 2088932 (VCV002088932.4), dbSNP rs2502322071, ClinGen allele CA389053601.
Genomic context (GRCh38, chr14:23,433,539, plus strand): 5'-CACCCAGGTGTACAGGTGGCCAGGGTGGACTCTCACATCAGCCTGACACCCACCTTGCCA[T>C]ACTCGGTCTCGGCAGTGACTTTGCCACCCTCTCGAGACACGATCTTGGCCTTGACAAACT-3'
Protein context (NP_000248.2, residues 55-75): EGGKVTAETE[Tyr65Cys]GKTVTVKEDQ